The following is an entry in ClinVar:

ClinVar aggregate classification (germline): Uncertain significance (1 of 4 stars; one submission).

gnomAD v4.1: 2 of 1,613,892 alleles (0.00012%); highest among the groups gnomAD compares: Non-Finnish European, 0.00017%; no homozygotes.

Submission:

Labcorp Genetics (formerly Invitae), Labcorp
Classification: Uncertain significance. Last evaluated: 2025-06-30. Review status: criteria provided, single submitter. Criteria: Invitae Variant Classification Sherloc (09022015). Collection method: clinical testing. Allele origin: germline.
Comment: This sequence change replaces glutamic acid, which is acidic and polar, with glycine, which is neutral and non-polar, at codon 1121 of the ZNF687 protein (p.Glu1121Gly). This variant is not present in population databases (gnomAD no frequency). This variant has not been reported in the literature in individuals affected with ZNF687-related conditions. An algorithm developed to predict the effect of missense changes on protein structure and function (PolyPhen-2) suggests that this variant is likely to be tolerated. In summary, the available evidence is currently insufficient to determine the role of this variant in disease. Therefore, it has been classified as a Variant of Uncertain Significance.

NM_020832.3(ZNF687):c.3362A>G (p.Glu1121Gly)

Gene: ZNF687 (zinc finger protein 687; plus strand). Cytogenetic location: 1q21.3.
Variant type: single nucleotide variant.
Coding change: c.3362A>G on transcript NM_020832.3 (MANE Select); coding-DNA position 3362, A replaced by G.
Protein change: p.Glu1121Gly; replaces glutamic acid 1121 with glycine.
Molecular consequence: missense variant.
Genome position (GRCh38, 1-based): chr1:151,290,857, A>G. VCF-style: chr1-151290857-A-G. GRCh37 (hg19) VCF-style: chr1-151263333-A-G.
Other names: c.3362A>G, p.Glu1121Gly (NM_001304763.2, NM_001304764.2); short protein forms E1121G.
Identifiers: ClinVar variation 4693113 (VCV004693113.1).